The following is an entry in ClinVar:

ClinVar aggregate classification (germline): Likely benign (1 of 4 stars; one submission).

Allele frequency attached by ClinVar (database versions not stated): TOPMed 0.00039; 1000 Genomes Project 0.00040; ESP Exome Variant Server 0.00077; 1000 Genomes Project 30x 0.00109; gnomAD 0.00151; ExAC 0.00272.
gnomAD v4.1: 1,605 of 1,533,060 alleles (0.1%); highest among the groups gnomAD compares: Non-Finnish European, 0.066%; 10 homozygotes.

Submissions (2):

CeGaT Center for Human Genetics Tuebingen
Classification: Likely benign. Last evaluated: 2025-09-01. Review status: criteria provided, single submitter. Criteria: CeGaT Center For Human Genetics Tuebingen Variant Classification Criteria Version 2. Collection method: clinical testing. Allele origin: germline. Affected: yes. Observed: 2 variant alleles.
Comment: PCM1: BP4, BS2

Dr. Peter K. Rogan Lab, Western University
No classification provided (evidence only). Condition: Malignant tumor of urinary bladder. Review status: no classification provided. Collection method: in vitro. Allele origin: not applicable. Functional consequence: retained intron. Not counted in ClinVar's aggregate classification.

NM_006197.4(PCM1):c.6037C>G (p.Leu2013Val)

Gene: PCM1 (pericentriolar material 1; plus strand). Cytogenetic location: 8p22.
Variant type: single nucleotide variant.
Coding change: c.6037C>G on transcript NM_006197.4 (MANE Select); coding-DNA position 6037, C replaced by G.
Protein change: p.Leu2013Val; replaces leucine 2013 with valine.
Molecular consequence: missense variant. On other transcripts: non-coding transcript variant (1).
Genome position (GRCh38, 1-based): chr8:18,025,646, C>G. VCF-style: chr8-18025646-C-G. GRCh37 (hg19) VCF-style: chr8-17883155-C-G.
Other names: NC_000008.10:g.17883155C>G; c.6013C>G, p.Leu2005Val (NM_001315507.2); c.5545C>G, p.Leu1849Val (NM_001315508.2); c.6166C>G, p.Leu2056Val (NM_001352632.2); c.6151C>G, p.Leu2051Val (NM_001352633.2); c.6049C>G, p.Leu2017Val (NM_001352634.2); c.6016C>G, p.Leu2006Val (NM_001352635.2); c.5992C>G, p.Leu1998Val (NM_001352636.2); and 11 more; short protein forms L1848V, L1849V, L1950V, L1951V, L1954V, L1958V, L1959V, L1962V.
Identifiers: ClinVar variation 2658454 (VCV002658454.25), dbSNP rs186210890, ClinGen allele CA4650389.
Genomic context (GRCh38, chr8:18,025,646, plus strand): 5'-CATTTATCTGGTGAAATATGTGAAATGCAGACCGAAGAATTAGCTGGAAATTCTGAGACA[C>G]TAAAAGAACCTGGTAAGAGTTATCAATTTAAATCTTGCCATATTGAAAAATCATTGAATC-3'
Protein context (NP_006188.4, residues 2003-2023): TEELAGNSET[Leu2013Val]KEPETVGAQS